The following is an entry in ClinVar:

ClinVar aggregate classification (germline): Uncertain significance. Review status: criteria provided, multiple submitters, no conflicts (2 of 4 stars). 2 submissions from 2 submitters: Uncertain significance (2). Last evaluated 2025-08-17.

Conditions:
Kabuki syndrome. Also called: Kabuki make-up syndrome; NIIKAWA-KUROKI SYNDROME. Identifiers: Orphanet 2322, MedGen C0796004, MONDO:0016512.
KMT2D-related disorder. Also called: KMT2D-Related Disorders.

Allele frequency attached by ClinVar (database versions not stated): TOPMed below 0.00001.

Submissions (2):

PreventionGenetics, part of Exact Sciences
Classification: Uncertain significance for KMT2D-related condition. Last evaluated: 2025-08-17. Review status: criteria provided, single submitter. Criteria: ACMG Guidelines, 2015. Collection method: clinical testing. Allele origin: germline.
Comment: The KMT2D c.13547A>G variant is predicted to result in the amino acid substitution p.Lys4516Arg. To our knowledge, this variant has not been reported in the literature or in a large population database (gnomAD), indicating this variant is rare. At this time, the clinical significance of this variant is uncertain due to the absence of conclusive functional and genetic evidence.

Labcorp Genetics (formerly Invitae), Labcorp
Classification: Uncertain significance for Kabuki syndrome. Last evaluated: 2024-08-12. Review status: criteria provided, single submitter. Criteria: Invitae Variant Classification Sherloc (09022015). Collection method: clinical testing. Allele origin: germline.
Comment: This sequence change replaces lysine, which is basic and polar, with arginine, which is basic and polar, at codon 4516 of the KMT2D protein (p.Lys4516Arg). This variant is not present in population databases (gnomAD no frequency). This variant has not been reported in the literature in individuals affected with KMT2D-related conditions. ClinVar contains an entry for this variant (Variation ID: 2080987). Advanced modeling of protein sequence and biophysical properties (such as structural, functional, and spatial information, amino acid conservation, physicochemical variation, residue mobility, and thermodynamic stability) performed at Invitae indicates that this missense variant is not expected to disrupt KMT2D protein function with a negative predictive value of 95%. In summary, the available evidence is currently insufficient to determine the role of this variant in disease. Therefore, it has been classified as a Variant of Uncertain Significance.

NM_003482.4(KMT2D):c.13547A>G (p.Lys4516Arg)

Gene: KMT2D (lysine methyltransferase 2D; minus strand). Cytogenetic location: 12q13.12.
Variant type: single nucleotide variant.
Coding change: c.13547A>G on transcript NM_003482.4 (MANE Select); coding-DNA position 13547, A replaced by G.
Protein change: p.Lys4516Arg; replaces lysine 4516 with arginine.
Molecular consequence: missense variant.
Genome position (GRCh38, 1-based): chr12:49,031,017, T>C on the plus strand (A>G on the coding strand, the complement: KMT2D is on the minus strand). VCF-style: chr12-49031017-T-C. GRCh37 (hg19) VCF-style: chr12-49424800-T-C.
Other names: short protein forms K4516R.
Identifiers: ClinVar variation 2080987 (VCV002080987.5), dbSNP rs1942880203, ClinGen allele CA384703698.
Genomic context (GRCh38, chr12:49,031,017, plus strand): 5'-CGGGAGCTCACCAACCTGTCGCTTGCCTTCTGTACCCGCTTGGGCTTCGGTGTCAAAGGC[T>C]TCCTTGCTGCTGCATCCTAAGCCAAATAAGCCCATTGAAGGCTGCTACCCTCCTCCTCAG-3'
Protein context (NP_003473.3, residues 4506-4526): PSNKEDAAAR[Lys4516Arg]PLTPKPKRVQ